The following is an entry in ClinVar:

NM_004655.4(AXIN2):c.979G>T (p.Val327Leu)

Gene: AXIN2 (axin 2; minus strand). Cytogenetic location: 17q24.1.
Variant type: single nucleotide variant.
Coding change: c.979G>T on transcript NM_004655.4 (MANE Select); coding-DNA position 979, G replaced by T.
Protein change: p.Val327Leu; replaces valine 327 with leucine.
Molecular consequence: missense variant.
Genome position (GRCh38, 1-based): chr17:65,541,535, C>A on the plus strand (G>T on the coding strand, the complement: AXIN2 is on the minus strand). VCF-style: chr17-65541535-C-A. GRCh37 (hg19) VCF-style: chr17-63537653-C-A.
Other names: c.979G>T, p.Val327Leu (NM_001363813.1); short protein forms V327L.
Identifiers: ClinVar variation 860870 (VCV000860870.9), dbSNP rs372255441, ClinGen allele CA400679356.

ClinVar aggregate classification (germline): Uncertain significance (1 of 4 stars; one submission).

Conditions:
Oligodontia-cancer predisposition syndrome. Also called: TOOTH AGENESIS-COLORECTAL CANCER SYNDROME. Identifiers: Orphanet 300576, MedGen C1837750, MONDO:0012075, OMIM 608615. Disease mechanism: loss of function.

Allele frequency attached by ClinVar (database versions not stated): gnomAD exomes below 0.00001.
gnomAD v4.1: 1 of 1,614,136 alleles (0.000062%); highest among the groups gnomAD compares: Admixed American, 0.0017%; no homozygotes.

Submission:

Labcorp Genetics (formerly Invitae), Labcorp
Classification: Uncertain significance for Oligodontia-cancer predisposition syndrome. Last evaluated: 2026-01-07. Review status: criteria provided, single submitter. Criteria: Invitae Variant Classification Sherloc (09022015). Collection method: clinical testing. Allele origin: germline.
Comment: This sequence change replaces valine, which is neutral and non-polar, with leucine, which is neutral and non-polar, at codon 327 of the AXIN2 protein (p.Val327Leu). This variant is not present in population databases (gnomAD no frequency). This variant has not been reported in the literature in individuals affected with AXIN2-related conditions. ClinVar contains an entry for this variant (Variation ID: 860870). Invitae Evidence Modeling of protein sequence and biophysical properties (such as structural, functional, and spatial information, amino acid conservation, physicochemical variation, residue mobility, and thermodynamic stability) indicates that this missense variant is not expected to disrupt AXIN2 protein function with a negative predictive value of 80%. In summary, the available evidence is currently insufficient to determine the role of this variant in disease. Therefore, it has been classified as a Variant of Uncertain Significance.